The following is an entry in ClinVar:

ClinVar aggregate classification (germline): Likely benign (1 of 4 stars; one submission).

Allele frequency attached by ClinVar (database versions not stated): 1000 Genomes Project 0.00060; 1000 Genomes Project 30x 0.00078; gnomAD 0.00093.

Submission:

CeGaT Center for Human Genetics Tuebingen
Classification: Likely benign. Last evaluated: 2026-07-01. Review status: criteria provided, single submitter. Criteria: CeGaT Center For Human Genetics Tuebingen Variant Classification Criteria Version 2. Collection method: clinical testing. Allele origin: germline. Affected: yes. Observed: 2 variant alleles.
Comment: FLG: BP4, BP7

NM_002016.2(FLG):c.3057G>A (p.Ala1019=)

Genes: CCDST (cervical cancer associated DHX9 suppressive transcript; plus strand), FLG (filaggrin; minus strand). Cytogenetic location: 1q21.3.
Variant type: single nucleotide variant.
Coding change: c.3057G>A on transcript NM_002016.2 (MANE Select); coding-DNA position 3057, G replaced by A.
Protein change: p.Ala1019=; no amino-acid change (alanine 1019 retained).
Molecular consequence: synonymous variant.
Genome position (GRCh38, 1-based): chr1:152,311,829, C>T on the plus strand (G>A on the coding strand, the complement: FLG is on the minus strand). VCF-style: chr1-152311829-C-T. GRCh37 (hg19) VCF-style: chr1-152284305-C-T.
Identifiers: ClinVar variation 2639301 (VCV002639301.24), dbSNP rs145495264, ClinGen allele CA1106849.